The following is an entry in ClinVar:

ClinVar aggregate classification (germline): Uncertain significance (1 of 4 stars; one submission).

gnomAD v4.1: 1 of 1,613,994 alleles (0.000062%); highest among the groups gnomAD compares: African/African-American, 0.0013%; no homozygotes.

Submission:

Ambry Genetics
Classification: Uncertain significance. Last evaluated: 2025-07-03. Review status: criteria provided, single submitter. Criteria: Ambry Variant Classification Scheme 2023. Collection method: clinical testing. Allele origin: germline.
Comment: The p.G934V variant (also known as c.2801G>T), located in coding exon 1 of the TET2 gene, results from a G to T substitution at nucleotide position 2801. The glycine at codon 934 is replaced by valine, an amino acid with dissimilar properties. This amino acid position is conserved. In addition, this alteration is predicted to be tolerated by in silico analysis. Based on the available evidence, the clinical significance of this variant remains unclear.

NM_001127208.3(TET2):c.2801G>T (p.Gly934Val)

Genes: TET2 (tet methylcytosine dioxygenase 2; plus strand), TET2-AS1 (TET2 antisense RNA 1; minus strand). Cytogenetic location: 4q24.
Variant type: single nucleotide variant.
Coding change: c.2801G>T on transcript NM_001127208.3 (MANE Select); coding-DNA position 2801, G replaced by T.
Protein change: p.Gly934Val; replaces glycine 934 with valine.
Molecular consequence: missense variant.
Genome position (GRCh38, 1-based): chr4:105,236,743, G>T. VCF-style: chr4-105236743-G-T. GRCh37 (hg19) VCF-style: chr4-106157900-G-T.
Other names: c.2801G>T, p.Gly934Val (NM_017628.4); short protein forms G934V.
Identifiers: ClinVar variation 4182946 (VCV004182946.1).